The following is an entry in ClinVar:

NM_000350.3(ABCA4):c.763C>T (p.Arg255Cys)

Gene: ABCA4 (ATP binding cassette subfamily A member 4; minus strand). Cytogenetic location: 1p22.1.
Variant type: single nucleotide variant.
Coding change: c.763C>T on transcript NM_000350.3 (MANE Select); coding-DNA position 763, C replaced by T.
Protein change: p.Arg255Cys; replaces arginine 255 with cysteine.
Molecular consequence: missense variant.
Genome position (GRCh38, 1-based): chr1:94,098,799, G>A on the plus strand (C>T on the coding strand, the complement: ABCA4 is on the minus strand). VCF-style: chr1-94098799-G-A. GRCh37 (hg19) VCF-style: chr1-94564355-G-A.
Other names: c.763C>T, p.Arg255Cys (NM_001425324.1); short protein forms R255C.
Identifiers: ClinVar variation 143077 (VCV000143077.15), dbSNP rs62645952, ClinGen allele CA170081.

ClinVar aggregate classification (germline): Conflicting classifications of pathogenicity. Review status: criteria provided, conflicting classifications (1 of 4 stars). 6 submissions from 6 submitters: Pathogenic (1); Uncertain significance (4). 1 of the submissions does not count toward it. Last evaluated 2025-08-03.

Conditions:
ABCA4-related disorder. Also called: ABCA4-related disorders; ABCA4-related condition. Identifiers: MedGen CN239167.
Retinal dystrophy. Also called: Inherited retinal dystrophy. Identifiers: Orphanet 71862, MedGen C0854723, MeSH D058499, MONDO:0019118, HP:0000556.
Age related macular degeneration 2. Also called: MACULAR DEGENERATION, SENILE; MACULOPATHY, AGE-RELATED, 2; MACULOPATHY, AGE-RELATED. Identifiers: MedGen C3495438, MONDO:0007932, OMIM 153800.
Severe early-childhood-onset retinal dystrophy (STGD1). Also called: MACULAR DYSTROPHY WITH FLECKS, TYPE 1; Stargardt macular dystrophy; Juvenile onset macular degeneration; Stargardt disease 1; STGD. Identifiers: Orphanet 364055, Orphanet 827, MedGen C1855465, MeSH D000080362, MONDO:0009549, OMIM 248200.
Cone-rod dystrophy 3 (CORD3). Identifiers: Orphanet 1872, MedGen C1858806, MONDO:0011395, OMIM 604116.
Retinitis pigmentosa 19 (RP19). Also called: ABCA4-Related Retinitis Pigmentosa. Identifiers: Orphanet 791, MedGen C1866422, MONDO:0011137, OMIM 601718.

Allele frequency attached by ClinVar (database versions not stated): gnomAD 0.00002 and 0.00004; gnomAD exomes 0.00004 and 0.00010; TOPMed 0.00008; ExAC 0.00010; 1000 Genomes Project 30x 0.00016; 1000 Genomes Project 0.00020.
gnomAD v4.1: 58 of 1,614,148 alleles (0.0036%); highest among the groups gnomAD compares: East Asian, 0.089%; no homozygotes.

Submissions (6):

Labcorp Genetics (formerly Invitae), Labcorp
Classification: Pathogenic. Last evaluated: 2025-08-03. Review status: criteria provided, single submitter. Criteria: Invitae Variant Classification Sherloc (09022015). Collection method: clinical testing. Allele origin: germline.
Comment: This sequence change replaces arginine, which is basic and polar, with cysteine, which is neutral and slightly polar, at codon 255 of the ABCA4 protein (p.Arg255Cys). This variant is present in population databases (rs62645952, gnomAD 0.1%). This missense change has been observed in individual(s) with cone-rod dystrophy and/or Stargardt disease (PMID: 12515255, 33090715). ClinVar contains an entry for this variant (Variation ID: 143077). Invitae Evidence Modeling of protein sequence and biophysical properties (such as structural, functional, and spatial information, amino acid conservation, physicochemical variation, residue mobility, and thermodynamic stability) indicates that this missense variant is expected to disrupt ABCA4 protein function with a positive predictive value of 95%. This variant disrupts the p.Arg255 amino acid residue in ABCA4. Other variant(s) that disrupt this residue have been observed in individuals with ABCA4-related conditions (PMID: 32531858), which suggests that this may be a clinically significant amino acid residue. For these reasons, this variant has been classified as Pathogenic.

PreventionGenetics, part of Exact Sciences
Classification: Uncertain significance for ABCA4-related condition. Last evaluated: 2024-12-01. Review status: criteria provided, single submitter. Criteria: ACMG Guidelines, 2015. Collection method: clinical testing. Allele origin: germline.
Comment: The ABCA4 c.763C>T variant is predicted to result in the amino acid substitution p.Arg255Cys. This variant has been reported in individuals with ABCA4-related conditions along with a second causative ABCA4 variant (Table S1, Lin et al. 2024. PubMed ID: 38219857; Supplementary Table 2, Liu et al. 2020. PubMed ID: 33090715). However, this variant has also been reported in an individual with non-syndromic oral-facial cleft (Peng et al. 2016. PubMed ID: 27527345) and in individuals with ABCA4-related conditions without a second ABCA4 variant or with a deep intronic variant that is not predicted to affect splicing (Supplement 2, Tian et al. 2022. PubMed ID: 35657619; Ducroq et al. 2002. PubMed ID: 12515255; Supplementary Table 2, Liu et al. 2020. PubMed ID: 33090715; Table S2, Sun et al. 2021. PubMed ID: 33301772; SpliceAI, Jaganathan et al. 2019. PubMed ID: 30661751). This variant is reported in 0.11% of alleles in individuals of East Asian descent in gnomAD. At this time, the clinical significance of this variant is uncertain due to the absence of conclusive functional and genetic evidence.

Dept Of Ophthalmology, Nagoya University
Classification: Uncertain significance for Retinal dystrophy. Last evaluated: 2023-10-01. Review status: criteria provided, single submitter. Criteria: Submitter's publication. Collection method: research. Allele origin: germline. Affected: yes.

Blueprint Genetics
Classification: Uncertain significance. Last evaluated: 2023-07-03. Review status: criteria provided, single submitter. Criteria: ACMG Guidelines, 2015. Collection method: clinical testing. Allele origin: germline.

Juno Genomics, Hangzhou Juno Genomics, Inc
Classification: Uncertain significance for Retinitis pigmentosa 19; Severe early-childhood-onset retinal dystrophy; Age related macular degeneration 2; Cone-rod dystrophy 3. Review status: criteria provided, single submitter. Criteria: ACMG Guidelines, 2015. Collection method: clinical testing. Allele origin: germline.
Comment: Absent from controls (or at extremely low frequency if recessive) in Genome Aggregation Database.;For recessive disorders, detected in trans with a pathogenic variant.;Patient's phenotype or family history is highly specific for a disease with a single genetic etiology.

Department of Ophthalmology and Visual Sciences Kyoto University
Classification: Pathogenic for Cone-rod dystrophy 3. Review status: no assertion criteria provided. Collection method: not provided. Allele origin: unknown. Not counted in ClinVar's aggregate classification.
ClinVar note: Converted during submission from pathogenic to Pathogenic.

Literature cited by the submitters: PubMed 12515255 (cited by Labcorp Genetics (formerly Invitae), Labcorp); PubMed 33090715 (cited by Labcorp Genetics (formerly Invitae), Labcorp); PubMed 32531858 (cited by Labcorp Genetics (formerly Invitae), Labcorp).